The following is an entry in ClinVar:

ClinVar aggregate classification (germline): Uncertain significance (1 of 4 stars; one submission).

Conditions:
Congenital sideroblastic anemia-B-cell immunodeficiency-periodic fever-developmental delay syndrome. Also called: Sideroblastic anemia with B-cell immunodeficiency, periodic fevers, and developmental delay. Identifiers: Orphanet 369861, MedGen C4015172, MONDO:0014487, OMIM 616084.

Allele frequency attached by ClinVar (database versions not stated): gnomAD exomes below 0.00001 and 0.00001; ExAC 0.00001.
gnomAD v4.1: 2 of 1,581,528 alleles (0.00013%); highest among the groups gnomAD compares: Non-Finnish European, 0.00017%; no homozygotes.

Submission:

Labcorp Genetics (formerly Invitae), Labcorp
Classification: Uncertain significance for Congenital sideroblastic anemia-B-cell immunodeficiency-periodic fever-developmental delay syndrome. Last evaluated: 2021-09-02. Review status: criteria provided, single submitter. Criteria: Invitae Variant Classification Sherloc (09022015). Collection method: clinical testing. Allele origin: germline.
Comment: This sequence change replaces threonine with alanine at codon 165 of the TRNT1 protein (p.Thr165Ala). The threonine residue is moderately conserved and there is a small physicochemical difference between threonine and alanine. This variant is present in population databases (rs754369247, ExAC 0.002%). This variant has not been reported in the literature in individuals affected with TRNT1-related conditions. Algorithms developed to predict the effect of missense changes on protein structure and function (SIFT, PolyPhen-2, Align-GVGD) all suggest that this variant is likely to be tolerated. In summary, the available evidence is currently insufficient to determine the role of this variant in disease. Therefore, it has been classified as a Variant of Uncertain Significance.

NM_182916.3(TRNT1):c.493A>G (p.Thr165Ala)

Gene: TRNT1 (tRNA nucleotidyl transferase 1; plus strand). Cytogenetic location: 3p26.2.
Variant type: single nucleotide variant.
Coding change: c.493A>G on transcript NM_182916.3 (MANE Select); coding-DNA position 493, A replaced by G.
Protein change: p.Thr165Ala; replaces threonine 165 with alanine.
Molecular consequence: missense variant. On other transcripts: non-coding transcript variant (8).
Genome position (GRCh38, 1-based): chr3:3,144,595, A>G. VCF-style: chr3-3144595-A-G. GRCh37 (hg19) VCF-style: chr3-3186279-A-G.
Other names: c.493A>G, p.Thr165Ala (LRG_1314t1, NM_001302946.2, NM_001367321.1 and 2 more transcripts); short protein forms T165A.
Identifiers: ClinVar variation 662661 (VCV000662661.3), dbSNP rs754369247, ClinGen allele CA2228698.